The following is an entry in ClinVar:

ClinVar aggregate classification (germline): Uncertain significance (1 of 4 stars; one submission).

Conditions:
Capillary malformation-arteriovenous malformation syndrome. Also called: Capillary malformation-arteriovenous malformation. Identifiers: Orphanet 137667, MedGen C1842180, MONDO:0012016.

Allele frequency attached by ClinVar (database versions not stated): TOPMed 0.00001; gnomAD 0.00001; gnomAD exomes below 0.00001; ExAC 0.00001.
gnomAD v4.1: 9 of 1,593,940 alleles (0.00056%); highest among the groups gnomAD compares: Middle Eastern, 0.033%; no homozygotes.

Submission:

Labcorp Genetics (formerly Invitae), Labcorp
Classification: Uncertain significance for Capillary malformation-arteriovenous malformation syndrome. Last evaluated: 2025-10-13. Review status: criteria provided, single submitter. Criteria: Invitae Variant Classification Sherloc (09022015). Collection method: clinical testing. Allele origin: germline.
Comment: This sequence change falls in intron 21 of the RASA1 gene. It does not directly change the encoded amino acid sequence of the RASA1 protein. This variant is present in population databases (rs759883031, gnomAD 0.0009%). This variant has not been reported in the literature in individuals affected with RASA1-related conditions. ClinVar contains an entry for this variant (Variation ID: 2735290). Algorithms developed to predict the effect of sequence changes on RNA splicing suggest that this variant may disrupt the consensus splice site. In summary, the available evidence is currently insufficient to determine the role of this variant in disease. Therefore, it has been classified as a Variant of Uncertain Significance.

NM_002890.3(RASA1):c.2759-5T>G

Genes: CCNH (cyclin H; minus strand), RASA1 (RAS p21 protein activator 1; plus strand). Cytogenetic location: 5q14.3.
Variant type: single nucleotide variant.
Coding change: c.2759-5T>G on transcript NM_002890.3 (MANE Select); 5 bases into the intron before coding-DNA position 2759, T replaced by G.
Molecular consequence: intron variant.
Genome position (GRCh38, 1-based): chr5:87,385,296, T>G. VCF-style: chr5-87385296-T-G. GRCh37 (hg19) VCF-style: chr5-86681113-T-G.
Other names: c.2228-5T>G (NM_022650.3); c.933+9748A>C (NM_001364075.2).
Identifiers: ClinVar variation 2735290 (VCV002735290.3), dbSNP rs759883031, ClinGen allele CA3336105.
Genomic context (GRCh38, chr5:87,385,296, plus strand): 5'-TATAATGGTTTAGCTGGAAGTGCTGTTGGACTTGGTGTCATTAGCTGTGCCCAATTCTGT[T>G]ACAGATTCTCCATCTCCTATTGCTGCAAGAACACTGATATTAGTGGCTAAATCTGTGCAG-3'